The following is an entry in ClinVar:

NM_001148.6(ANK2):c.6737G>C (p.Ser2246Thr)

Gene: ANK2 (ankyrin 2; plus strand). Cytogenetic location: 4q26.
Variant type: single nucleotide variant.
Coding change: c.6737G>C on transcript NM_001148.6 (MANE Select); coding-DNA position 6737, G replaced by C.
Protein change: p.Ser2246Thr; replaces serine 2246 with threonine.
Molecular consequence: missense variant. On other transcripts: intron variant (68).
Genome position (GRCh38, 1-based): chr4:113,355,355, G>C. VCF-style: chr4-113355355-G-C. GRCh37 (hg19) VCF-style: chr4-114276511-G-C.
Other names: c.6503G>C, p.Ser2168Thr (NM_001386142.1); c.3137G>C, p.Ser1046Thr (NM_001386166.1); c.6878G>C, p.Ser2293Thr (NM_001386174.1); c.6854G>C, p.Ser2285Thr (NM_001386175.1); c.4411+5106G>C (NM_001386186.2, NM_001386148.2); c.4213+5106G>C (NM_001354269.3); c.4291+5106G>C (NM_001386187.2); c.4252+5106G>C (NM_001386147.1); and 35 more; short protein forms S2246T, S2285T, S2293T, S1046T, S2168T.
Identifiers: ClinVar variation 3540650 (VCV003540650.1).

ClinVar aggregate classification (germline): Uncertain significance (1 of 4 stars; one submission).

Conditions:
Cardiovascular phenotype. Identifiers: MedGen CN230736.

gnomAD v4.1: 4 of 1,613,918 alleles (0.00025%); highest among the groups gnomAD compares: Non-Finnish European, 0.00034%; no homozygotes.

Submission:

Ambry Genetics
Classification: Uncertain significance for Cardiovascular phenotype. Last evaluated: 2024-12-05. Review status: criteria provided, single submitter. Criteria: Ambry Variant Classification Scheme 2023. Collection method: clinical testing. Allele origin: germline.
Comment: The p.S2246T variant (also known as c.6737G>C), located in coding exon 38 of the ANK2 gene, results from a G to C substitution at nucleotide position 6737. The serine at codon 2246 is replaced by threonine, an amino acid with similar properties. This amino acid position is conserved. In addition, this alteration is predicted to be tolerated by in silico analysis. Based on the available evidence, the clinical significance of this variant remains unclear.